The following is an entry in ClinVar:

NM_001385.3(DPYS):c.1019A>G (p.Asp340Gly)

Gene: DPYS (dihydropyrimidinase; minus strand). Cytogenetic location: 8q22.3.
Variant type: single nucleotide variant.
Coding change: c.1019A>G on transcript NM_001385.3 (MANE Select); coding-DNA position 1019, A replaced by G.
Protein change: p.Asp340Gly; replaces aspartic acid 340 with glycine.
Molecular consequence: missense variant.
Genome position (GRCh38, 1-based): chr8:104,428,053, T>C on the plus strand (A>G on the coding strand, the complement: DPYS is on the minus strand). VCF-style: chr8-104428053-T-C. GRCh37 (hg19) VCF-style: chr8-105440281-T-C.
Other names: short protein forms D340G.
Identifiers: ClinVar variation 1968803 (VCV001968803.5), dbSNP rs1288022078, ClinGen allele CA371940375.

ClinVar aggregate classification (germline): Uncertain significance (1 of 4 stars; one submission).

Allele frequency attached by ClinVar (database versions not stated): gnomAD exomes below 0.00001.
gnomAD v4.1: 1 of 1,614,232 alleles (0.000062%); highest among the groups gnomAD compares: Non-Finnish European, 0.000085%; no homozygotes.

Submission:

Labcorp Genetics (formerly Invitae), Labcorp
Classification: Uncertain significance. Last evaluated: 2022-06-10. Review status: criteria provided, single submitter. Criteria: Invitae Variant Classification Sherloc (09022015). Collection method: clinical testing. Allele origin: germline.
Comment: This sequence change replaces aspartic acid, which is acidic and polar, with glycine, which is neutral and non-polar, at codon 340 of the DPYS protein (p.Asp340Gly). This variant is not present in population databases (gnomAD no frequency). In summary, the available evidence is currently insufficient to determine the role of this variant in disease. Therefore, it has been classified as a Variant of Uncertain Significance. Algorithms developed to predict the effect of missense changes on protein structure and function are either unavailable or do not agree on the potential impact of this missense change (SIFT: "Tolerated"; PolyPhen-2: "Probably Damaging"; Align-GVGD: "Class C0"). This variant has not been reported in the literature in individuals affected with DPYS-related conditions.